The following is an entry in ClinVar:

NM_000719.7(CACNA1C):c.121G>A (p.Glu41Lys)

Gene: CACNA1C (calcium voltage-gated channel subunit alpha1 C; plus strand). Cytogenetic location: 12p13.33.
Variant type: single nucleotide variant.
Coding change: c.121G>A on transcript NM_000719.7 (MANE Select); coding-DNA position 121, G replaced by A.
Protein change: p.Glu41Lys; replaces glutamic acid 41 with lysine.
Molecular consequence: missense variant.
Genome position (GRCh38, 1-based): chr12:2,115,295, G>A. VCF-style: chr12-2115295-G-A. GRCh37 (hg19) VCF-style: chr12-2224461-G-A.
Other names: c.121G>A, p.Glu41Lys (NM_001129827.2, NM_001129829.2, NM_001129830.3 and 19 more transcripts); short protein forms E41K.
Identifiers: ClinVar variation 2452671 (VCV002452671.2), dbSNP rs1447615624, ClinGen allele CA383652972.

ClinVar aggregate classification (germline): Uncertain significance (1 of 4 stars; one submission).

Conditions:
Cardiovascular phenotype. Identifiers: MedGen CN230736.

Allele frequency attached by ClinVar (database versions not stated): gnomAD 0.00001.

Submission:

Ambry Genetics
Classification: Uncertain significance for Cardiovascular phenotype. Last evaluated: 2023-02-21. Review status: criteria provided, single submitter. Criteria: Ambry Variant Classification Scheme 2023. Collection method: clinical testing. Allele origin: germline.
Comment: The p.E41K variant (also known as c.121G>A), located in coding exon 2 of the CACNA1C gene, results from a G to A substitution at nucleotide position 121. The glutamic acid at codon 41 is replaced by lysine, an amino acid with similar properties. This amino acid position is highly conserved in available vertebrate species. In addition, this alteration is predicted to be deleterious by in silico analysis. Since supporting evidence is limited at this time, the clinical significance of this alteration remains unclear.